The following is an entry in ClinVar:

NM_022458.4(LMBR1):c.423+4235G>T

Genes: LMBR1 (limb development membrane protein 1; minus strand), ZRS (ZPA regulatory sequence; plus strand). Cytogenetic location: 7q36.3.
Variant type: single nucleotide variant.
Coding change: c.423+4235G>T on transcript NM_022458.4 (MANE Select); 4235 bases into the intron after coding-DNA position 423, G replaced by T.
Molecular consequence: intron variant.
Genome position (GRCh38, 1-based): chr7:156,792,154, C>A on the plus strand (G>T on the coding strand, the complement: LMBR1 is on the minus strand). VCF-style: chr7-156792154-C-A. GRCh37 (hg19) VCF-style: chr7-156584848-C-A.
Other names: c.360+4235G>T (NM_001363412.2); c.144+4235G>T (NM_001350954.2); c.423+4235G>T (NM_001363410.2, NM_001363409.2, NM_001350953.2); c.-112+4235G>T (NM_001350958.2, NM_001350956.2, NM_001350955.2 and 1 more transcripts); c.54+4235G>T (NM_001350957.2, NM_001363411.2).
Identifiers: ClinVar variation 3049437 (VCV003049437.3), dbSNP rs368391805, ClinGen allele CA169823534.

ClinVar aggregate classification (germline): Likely benign. Review status: criteria provided, single submitter (1 of 4 stars). 2 submissions from 2 submitters: Likely benign (1). 1 of the submissions does not count toward it. Last evaluated 2024-11-18.

Conditions:
LMBR1-related disorder. Also called: LMBR1-related condition.

Allele frequency attached by ClinVar (database versions not stated): TOPMed 0.00028; gnomAD 0.00175; 1000 Genomes Project 30x 0.01046; 1000 Genomes Project 0.01058.
gnomAD v4.1: 261 of 152,238 alleles (0.17%); highest among the groups gnomAD compares: South Asian, 5.3%; 12 homozygotes.

Submissions (2):

Blueprint Genetics
Classification: Likely benign. Last evaluated: 2024-11-18. Review status: criteria provided, single submitter. Criteria: ACMG Guidelines, 2015. Collection method: clinical testing. Allele origin: germline.

PreventionGenetics, part of Exact Sciences
Classification: Likely benign for LMBR1-related condition. Last evaluated: 2023-04-06. Review status: no assertion criteria provided. Collection method: clinical testing. Allele origin: germline. Not counted in ClinVar's aggregate classification.
Comment: This variant is classified as likely benign based on ACMG/AMP sequence variant interpretation guidelines (Richards et al. 2015 PMID: 25741868, with internal and published modifications).